The following is an entry in ClinVar:

ClinVar aggregate classification (germline): Conflicting classifications of pathogenicity. Review status: criteria provided, conflicting classifications (1 of 4 stars). 4 submissions from 4 submitters: Uncertain significance (1); Likely benign (2). 1 of the submissions does not count toward it. Last evaluated 2025-08-13.

Conditions:
Hereditary cancer-predisposing syndrome. Also called: Hereditary Cancer Syndrome; Hereditary neoplastic syndrome; Neoplastic Syndromes, Hereditary; Tumor predisposition. Identifiers: Orphanet 140162, MedGen C0027672, MeSH D009386, MONDO:0015356.
Hereditary breast ovarian cancer syndrome. Also called: Hereditary breast and ovarian cancer syndrome; Hereditary breast and ovarian cancer syndrome (HBOC); Breast and ovarian cancer; Hereditary breast and ovarian cancer; Hereditary breast and/or ovarian cancer syndrome; BRCA1- and BRCA2-Associated Hereditary Breast and Ovarian Cancer. Identifiers: Orphanet 145, MedGen C0677776, MeSH D061325, MONDO:0003582. Disease mechanism: loss of function.
Familial cancer of breast. Also called: BREAST CANCER, FAMILIAL; Hereditary breast cancer; hereditary breast carcinoma. Identifiers: Orphanet 227535, MedGen C0346153, MONDO:0016419, OMIM 114480. Disease mechanism: loss of function.

Submissions (4):

Labcorp Genetics (formerly Invitae), Labcorp
Classification: Uncertain significance for Hereditary breast ovarian cancer syndrome. Last evaluated: 2025-08-13. Review status: criteria provided, single submitter. Criteria: Invitae Variant Classification Sherloc (09022015). Collection method: clinical testing. Allele origin: germline.
Comment: This sequence change replaces serine, which is neutral and polar, with threonine, which is neutral and polar, at codon 1722 of the BRCA2 protein (p.Ser1722Thr). This variant is not present in population databases (gnomAD no frequency). This missense change has been observed in individual(s) with breast and/or ovarian cancer and colorectal cancer (PMID: 28135145, 35918668). ClinVar contains an entry for this variant (Variation ID: 1687125). Invitae Evidence Modeling of protein sequence and biophysical properties (such as structural, functional, and spatial information, amino acid conservation, physicochemical variation, residue mobility, and thermodynamic stability) indicates that this missense variant is not expected to disrupt BRCA2 protein function with a negative predictive value of 95%. In summary, the available evidence is currently insufficient to determine the role of this variant in disease. Therefore, it has been classified as a Variant of Uncertain Significance.

Ambry Genetics
Classification: Likely benign for Hereditary cancer-predisposing syndrome. Last evaluated: 2024-12-02. Review status: criteria provided, single submitter. Criteria: Ambry Variant Classification Scheme 2023. Collection method: clinical testing. Allele origin: germline.

University of Washington Department of Laboratory Medicine, University of Washington
Classification: Likely benign for Hereditary cancer-predisposing syndrome. Last evaluated: 2023-03-23. Review status: criteria provided, single submitter. Criteria: Dines et al. (Genet Med. 2020). Collection method: curation. Allele origin: germline.
Comment: Missense variant in a coldspot region where missense variants are very unlikely to be pathogenic (PMID:31911673).

BRCA2 exon 11 coldspot. Reclassification based on statistical prior probability.

Center for Precision Medicine, Meizhou People's Hospital
Classification: Uncertain significance for Familial cancer of breast. Review status: no assertion criteria provided. Collection method: curation. Allele origin: germline. Affected: yes. Not counted in ClinVar's aggregate classification.

Literature cited by the submitters: PubMed 28135145 (cited by Labcorp Genetics (formerly Invitae), Labcorp); PubMed 35918668 (cited by Labcorp Genetics (formerly Invitae), Labcorp).

NM_000059.4(BRCA2):c.5165G>C (p.Ser1722Thr)

Gene: BRCA2 (BRCA2 DNA repair associated; plus strand). Cytogenetic location: 13q13.1.
Variant type: single nucleotide variant.
Coding change: c.5165G>C on transcript NM_000059.4 (MANE Select); coding-DNA position 5165, G replaced by C.
Protein change: p.Ser1722Thr; replaces serine 1722 with threonine.
Molecular consequence: missense variant.
Genome position (GRCh38, 1-based): chr13:32,339,520, G>C. VCF-style: chr13-32339520-G-C. GRCh37 (hg19) VCF-style: chr13-32913657-G-C.
Other names: short protein forms S1722T.
Identifiers: ClinVar variation 1687125 (VCV001687125.10), dbSNP rs773707172, ClinGen allele CA387784252.